The following is an entry in ClinVar:

NM_000515.5(GH1):c.478C>T (p.Arg160Trp)

Genes: GH-LCR (growth hormone locus control region; plus strand), GH1 (growth hormone 1; minus strand). Cytogenetic location: 17q23.3.
Variant type: single nucleotide variant.
Coding change: c.478C>T on transcript NM_000515.5 (MANE Select); coding-DNA position 478, C replaced by T.
Protein change: p.Arg160Trp; replaces arginine 160 with tryptophan.
Molecular consequence: missense variant.
Genome position (GRCh38, 1-based): chr17:63,917,485, G>A on the plus strand (C>T on the coding strand, the complement: GH1 is on the minus strand). VCF-style: chr17-63917485-G-A. GRCh37 (hg19) VCF-style: chr17-61994845-G-A.
Other names: c.433C>T, p.Arg145Trp (NM_022559.4); c.358C>T, p.Arg120Trp (NM_022560.4); short protein forms R160W, R145W, R120W.
Identifiers: ClinVar variation 324451 (VCV000324451.10), dbSNP rs377600944, ClinGen allele CA8708145.

ClinVar aggregate classification (germline): Uncertain significance. Review status: criteria provided, multiple submitters, no conflicts (2 of 4 stars). 2 submissions from 2 submitters: Uncertain significance (2). Last evaluated 2022-07-18.

Conditions:
Decreased response to growth hormone stimulation test. Also called: Growth hormone deficiency. Identifiers: MedGen C5539399, HP:0000824.

Allele frequency attached by ClinVar (database versions not stated): TOPMed 0.00007; gnomAD 0.00009 and 0.00014; gnomAD exomes 0.00009; ExAC 0.00012; 1000 Genomes Project 0.00020; ESP Exome Variant Server 0.00023; 1000 Genomes Project 30x 0.00031.
gnomAD v4.1: 175 of 1,613,948 alleles (0.011%); highest among the groups gnomAD compares: South Asian, 0.041%; no homozygotes.

Submissions (2):

Labcorp Genetics (formerly Invitae), Labcorp
Classification: Uncertain significance. Last evaluated: 2022-07-18. Review status: criteria provided, single submitter. Criteria: Invitae Variant Classification Sherloc (09022015). Collection method: clinical testing. Allele origin: germline.
Comment: This sequence change replaces arginine, which is basic and polar, with tryptophan, which is neutral and slightly polar, at codon 160 of the GH1 protein (p.Arg160Trp). This variant is present in population databases (rs377600944, gnomAD 0.01%). This missense change has been observed in individual(s) with clinical features of GH1-related conditions (PMID: 30753492). ClinVar contains an entry for this variant (Variation ID: 324451). In summary, the available evidence is currently insufficient to determine the role of this variant in disease. Therefore, it has been classified as a Variant of Uncertain Significance. Algorithms developed to predict the effect of missense changes on protein structure and function are either unavailable or do not agree on the potential impact of this missense change (SIFT: "Deleterious"; PolyPhen-2: "Benign"; Align-GVGD: "Class C0").

Illumina Laboratory Services, Illumina
Classification: Uncertain significance for Growth hormone deficiency. Last evaluated: 2018-01-13. Review status: criteria provided, single submitter. Criteria: ICSL Variant Classification Criteria 13 December 2019. Collection method: clinical testing. Allele origin: germline.

Literature cited by the submitters: PubMed 30753492 (cited by Labcorp Genetics (formerly Invitae), Labcorp).